The following is an entry in ClinVar:

ClinVar aggregate classification (germline): Benign (1 of 4 stars; one submission).

Allele frequency attached by ClinVar (database versions not stated): 1000 Genomes Project 0.41514; gnomAD 0.42571 and 0.43863; 1000 Genomes Project 30x 0.43192; TOPMed 0.44655.
gnomAD v4.1: 64,618 of 151,890 alleles (43%); highest among the groups gnomAD compares: African/African-American, 78%; 17,675 homozygotes.

Submission:

GeneDx
Classification: Benign. Last evaluated: 2018-06-14. Review status: criteria provided, single submitter. Criteria: GeneDx Variant Classification (06012015). Collection method: clinical testing. Allele origin: germline. Affected: yes.
Comment: This variant is considered likely benign or benign based on one or more of the following criteria: it is a conservative change, it occurs at a poorly conserved position in the protein, it is predicted to be benign by multiple in silico algorithms, and/or has population frequency not consistent with disease.

NM_203447.4(DOCK8):c.3121-281A>G

Gene: DOCK8 (dedicator of cytokinesis 8; plus strand). Cytogenetic location: 9p24.3.
Variant type: single nucleotide variant.
Coding change: c.3121-281A>G on transcript NM_203447.4 (MANE Select); 281 bases into the intron before coding-DNA position 3121, A replaced by G.
Molecular consequence: intron variant.
Genome position (GRCh38, 1-based): chr9:398,865, A>G. VCF-style: chr9-398865-A-G. GRCh37 (hg19) VCF-style: chr9-398865-A-G.
Other names: c.2917-281A>G (NM_001193536.2); c.2821-281A>G (NM_001190458.2).
Identifiers: ClinVar variation 667666 (VCV000667666.1), dbSNP rs67826312, ClinGen allele CA16352430.